The following is an entry in ClinVar:

ClinVar aggregate classification (germline): Uncertain significance. Review status: criteria provided, multiple submitters, no conflicts (2 of 4 stars). 2 submissions from 2 submitters: Uncertain significance (2). Last evaluated 2025-09-25.

Conditions:
Inborn genetic diseases. Identifiers: MedGen C0950123, MeSH D030342.

gnomAD v4.1: 52 of 1,613,946 alleles (0.0032%); highest among the groups gnomAD compares: Non-Finnish European, 0.0042%; no homozygotes.

Submissions (2):

Ambry Genetics
Classification: Uncertain significance for Inborn genetic diseases. Last evaluated: 2025-09-25. Review status: criteria provided, single submitter. Criteria: Ambry Variant Classification Scheme 2023. Collection method: clinical testing. Allele origin: germline.

Labcorp Genetics (formerly Invitae), Labcorp
Classification: Uncertain significance. Last evaluated: 2025-08-09. Review status: criteria provided, single submitter. Criteria: Invitae Variant Classification Sherloc (09022015). Collection method: clinical testing. Allele origin: germline.
Comment: This sequence change replaces alanine, which is neutral and non-polar, with glycine, which is neutral and non-polar, at codon 1035 of the FOCAD protein (p.Ala1035Gly). This variant is present in population databases (rs751380550, gnomAD 0.004%). This variant has not been reported in the literature in individuals affected with FOCAD-related conditions. Experimental studies and prediction algorithms are not available or were not evaluated, and the functional significance of this variant is currently unknown. In summary, the available evidence is currently insufficient to determine the role of this variant in disease. Therefore, it has been classified as a Variant of Uncertain Significance.

NM_001375567.1(FOCAD):c.3104C>G (p.Ala1035Gly)

Gene: FOCAD (focadhesin; plus strand). Cytogenetic location: 9p21.3.
Variant type: single nucleotide variant.
Coding change: c.3104C>G on transcript NM_001375567.1 (MANE Select); coding-DNA position 3104, C replaced by G.
Protein change: p.Ala1035Gly; replaces alanine 1035 with glycine.
Molecular consequence: missense variant.
Genome position (GRCh38, 1-based): chr9:20,929,383, C>G. VCF-style: chr9-20929383-C-G. GRCh37 (hg19) VCF-style: chr9-20929382-C-G.
Other names: c.2999C>G, p.Ala1000Gly (NM_001375568.1, NM_001375570.1); c.3104C>G, p.Ala1035Gly (NM_017794.5); short protein forms A1035G, A1000G.
Identifiers: ClinVar variation 4620168 (VCV004620168.2).
Genomic context (GRCh38, chr9:20,929,383, plus strand): 5'-GGCTAACCCTGTTTTCTTTCTTTGGCATGTCCTAGAAGTCCTATTCTGGTGAAAACACAG[C>G]TAGTGCCATTGCCCGTTCTGCTGCCGCCACGGCTTTGTCTCTCCTTGTGCCAGTTTTCAT-3'
Protein context (NP_001362496.1, residues 1025-1045): YYKSYSGENT[Ala1035Gly]SAIARSAAAT